The following is an entry in ClinVar:

NM_147127.5(EVC2):c.1808A>C (p.Gln603Pro)

Gene: EVC2 (EvC ciliary complex subunit 2; minus strand). Cytogenetic location: 4p16.2.
Variant type: single nucleotide variant.
Coding change: c.1808A>C on transcript NM_147127.5 (MANE Select); coding-DNA position 1808, A replaced by C.
Protein change: p.Gln603Pro; replaces glutamine 603 with proline.
Molecular consequence: missense variant.
Genome position (GRCh38, 1-based): chr4:5,628,637, T>G on the plus strand (A>C on the coding strand, the complement: EVC2 is on the minus strand). VCF-style: chr4-5628637-T-G. GRCh37 (hg19) VCF-style: chr4-5630364-T-G.
Other names: c.1568A>C, p.Gln523Pro (NM_001166136.2); short protein forms Q603P, Q523P.
Identifiers: ClinVar variation 3846590 (VCV003846590.2).
Genomic context (GRCh38, chr4:5,628,637, plus strand): 5'-AGGTGAGTCAGCTGGGCTGCAGCGGTGCTCAGAAGGCCCTGCACACGGGTCTCTGATGAC[T>G]GGAGGTTCTGGACCAGATATTCCCTGTGGCCAAATCTTTTACTTAGATGATACCTCTTAC-3'
Protein context (NP_667338.3, residues 593-613): GHREYLVQNL[Gln603Pro]SSETRVQGLL

ClinVar aggregate classification (germline): Uncertain significance. Review status: criteria provided, multiple submitters, no conflicts (2 of 4 stars). 2 submissions from 2 submitters: Uncertain significance (2). Last evaluated 2026-01-21.

Conditions:
Inborn genetic diseases. Identifiers: MedGen C0950123, MeSH D030342.
Ellis-van Creveld syndrome (EVC). Also called: MESOECTODERMAL DYSPLASIA; EVC-Related Ellis-van Creveld Syndrome; EVC2-Related Ellis-van Creveld Syndrome; Chondroectodermal dysplasia. Identifiers: Orphanet 289, MedGen C0013903, MONDO:0009162, OMIM 225500.
Curry-Hall syndrome (WAD). Also called: WEYERS ACRODENTAL DYSOSTOSIS. Identifiers: Orphanet 952, MedGen C0457013, MONDO:0008673, OMIM 193530.

gnomAD v4.1: 8 of 1,614,036 alleles (0.0005%); highest among the groups gnomAD compares: Non-Finnish European, 0.00068%; no homozygotes.

Submissions (2):

Labcorp Genetics (formerly Invitae), Labcorp
Classification: Uncertain significance for Curry-Hall syndrome; Ellis-van Creveld syndrome. Last evaluated: 2026-01-21. Review status: criteria provided, single submitter. Criteria: Invitae Variant Classification Sherloc (09022015). Collection method: clinical testing. Allele origin: germline.
Comment: This sequence change replaces glutamine, which is neutral and polar, with proline, which is neutral and non-polar, at codon 603 of the EVC2 protein (p.Gln603Pro). This variant is present in population databases (rs746069003, gnomAD 0.003%). This variant has not been reported in the literature in individuals affected with EVC2-related conditions. ClinVar contains an entry for this variant (Variation ID: 3846590). An algorithm developed to predict the effect of missense changes on protein structure and function (PolyPhen-2) suggests that this variant is likely to be disruptive. In summary, the available evidence is currently insufficient to determine the role of this variant in disease. Therefore, it has been classified as a Variant of Uncertain Significance.

Ambry Genetics
Classification: Uncertain significance for Inborn genetic diseases. Last evaluated: 2025-02-19. Review status: criteria provided, single submitter. Criteria: Ambry Variant Classification Scheme 2023. Collection method: clinical testing. Allele origin: germline.